The following is an entry in ClinVar:

NM_000744.7(CHRNA4):c.682G>A (p.Glu228Lys)

Gene: CHRNA4 (cholinergic receptor nicotinic alpha 4 subunit; minus strand). Cytogenetic location: 20q13.33.
Variant type: single nucleotide variant.
Coding change: c.682G>A on transcript NM_000744.7 (MANE Select); coding-DNA position 682, G replaced by A.
Protein change: p.Glu228Lys; replaces glutamic acid 228 with lysine.
Molecular consequence: missense variant. On other transcripts: non-coding transcript variant (1).
Genome position (GRCh38, 1-based): chr20:63,350,729, C>T on the plus strand (G>A on the coding strand, the complement: CHRNA4 is on the minus strand). VCF-style: chr20-63350729-C-T. GRCh37 (hg19) VCF-style: chr20-61982081-C-T.
Other names: c.682G>A (NM_000744.6); c.154G>A, p.Glu52Lys (NM_001256573.2); short protein forms E228K, E52K.
Identifiers: ClinVar variation 421467 (VCV000421467.13), dbSNP rs1064795157, ClinGen allele CA16620956.

ClinVar aggregate classification (germline): Uncertain significance. Review status: criteria provided, multiple submitters, no conflicts (2 of 4 stars). 3 submissions from 3 submitters: Uncertain significance (3). Last evaluated 2025-04-26.

Conditions:
Familial sleep-related hypermotor epilepsy. Also called: Autosomal Dominant Sleep-Related Hypermotor (Hyperkinetic) Epilepsy. Identifiers: Orphanet 98784, MedGen C3696898, MONDO:0000030.
Autosomal dominant nocturnal frontal lobe epilepsy 1. Also called: EPILEPSY, NOCTURNAL FRONTAL LOBE, TYPE 1; CHRNA4-Related Nocturnal Frontal Lobe Epilepsy, Autosomal Dominant. Identifiers: Orphanet 98784, MedGen C1838049, MONDO:0010899, OMIM 600513.

Allele frequency attached by ClinVar (database versions not stated): gnomAD exomes 0.00001 and below 0.00001.

Submissions (3):

Labcorp Genetics (formerly Invitae), Labcorp
Classification: Uncertain significance. Last evaluated: 2025-04-26. Review status: criteria provided, single submitter. Criteria: Invitae Variant Classification Sherloc (09022015). Collection method: clinical testing. Allele origin: germline.
Comment: This sequence change replaces glutamic acid, which is acidic and polar, with lysine, which is basic and polar, at codon 228 of the CHRNA4 protein (p.Glu228Lys). This variant is present in population databases (no rsID available, gnomAD 0.0009%). This variant has not been reported in the literature in individuals affected with CHRNA4-related conditions. ClinVar contains an entry for this variant (Variation ID: 421467). Invitae Evidence Modeling of protein sequence and biophysical properties (such as structural, functional, and spatial information, amino acid conservation, physicochemical variation, residue mobility, and thermodynamic stability) has been performed for this missense variant. However, the output from this modeling did not meet the statistical confidence thresholds required to predict the impact of this variant on CHRNA4 protein function. In summary, the available evidence is currently insufficient to determine the role of this variant in disease. Therefore, it has been classified as a Variant of Uncertain Significance.

GeneDx
Classification: Uncertain significance. Last evaluated: 2024-10-01. Review status: criteria provided, single submitter. Criteria: GeneDx Variant Classification Process June 2021. Collection method: clinical testing. Allele origin: germline. Affected: yes.
Comment: Not observed at significant frequency in large population cohorts (gnomAD); In silico analysis supports that this missense variant has a deleterious effect on protein structure/function; Has not been previously published as pathogenic or benign to our knowledge

Baylor Genetics
Classification: Uncertain significance for Autosomal dominant nocturnal frontal lobe epilepsy 1. Last evaluated: 2022-02-08. Review status: criteria provided, single submitter. Criteria: ACMG Guidelines, 2015. Collection method: clinical testing. Allele origin: unknown.